The following is an entry in ClinVar:

NM_000081.4(LYST):c.9315+52C>A

Gene: LYST (lysosomal trafficking regulator; minus strand). Cytogenetic location: 1q42.3.
Variant type: single nucleotide variant.
Coding change: c.9315+52C>A on transcript NM_000081.4 (MANE Select); 52 bases into the intron after coding-DNA position 9315, C replaced by A.
Molecular consequence: intron variant.
Genome position (GRCh38, 1-based): chr1:235,723,976, G>T on the plus strand (C>A on the coding strand, the complement: LYST is on the minus strand). VCF-style: chr1-235723976-G-T. GRCh37 (hg19) VCF-style: chr1-235887276-G-T.
Other names: NC_000001.10:g.235887276G>T; c.9315+52C>A (NM_001301365.1).
Identifiers: ClinVar variation 684361 (VCV000684361.5), dbSNP rs6667717, ClinGen allele CA10976442.

ClinVar aggregate classification (germline): Benign. Review status: criteria provided, multiple submitters, no conflicts (2 of 4 stars). 3 submissions from 3 submitters: Benign (3). Last evaluated 2023-11-12.

Allele frequency attached by ClinVar (database versions not stated): 1000 Genomes Project 0.41174; 1000 Genomes Project 30x 0.42895; gnomAD 0.49936 and 0.51918; TOPMed 0.50770; ESP Exome Variant Server 0.52825.
gnomAD v4.1: 579,179 of 1,444,266 alleles (40%); highest among the groups gnomAD compares: African/African-American, 83%; 127,770 homozygotes.

Submissions (5):

Unidad de Genómica Garrahan, Hospital de Pediatría Garrahan
Classification: Benign. Last evaluated: 2023-11-12. Review status: criteria provided, single submitter. Criteria: ACMG Guidelines, 2015. Collection method: clinical testing. Allele origin: germline. Affected: no. Observed: 43 variant alleles.
Comment: This variant is classified as Benign based on local population frequency. This variant was detected in 45% of patients studied by a panel of primary immunodeficiencies. Number of patients: 43. Only high quality variants are reported.

GeneDx
Classification: Benign. Last evaluated: 2018-06-19. Review status: criteria provided, single submitter. Criteria: GeneDx Variant Classification (06012015). Collection method: clinical testing. Allele origin: germline. Affected: yes.
Comment: This variant is considered likely benign or benign based on one or more of the following criteria: it is a conservative change, it occurs at a poorly conserved position in the protein, it is predicted to be benign by multiple in silico algorithms, and/or has population frequency not consistent with disease.

Breakthrough Genomics
Classification: Benign. Review status: criteria provided, single submitter. Criteria: ACMG Guidelines, 2015. Collection method: not provided. Allele origin: germline. Inheritance: Autosomal recessive inheritance. Affected: yes.

Dr. Peter K. Rogan Lab, Western University
No classification provided (evidence only). Condition: Familial cancer of breast. Review status: no classification provided. Collection method: in vitro. Allele origin: not applicable. Functional consequence: retained intron. Not counted in ClinVar's aggregate classification.

Dr. Peter K. Rogan Lab, Western University
No classification provided (evidence only). Condition: Uveal melanoma. Review status: no classification provided. Collection method: in vitro. Allele origin: not applicable. Functional consequence: retained intron. Not counted in ClinVar's aggregate classification.